The following is an entry in ClinVar:

ClinVar aggregate classification (germline): Likely benign (1 of 4 stars; one submission).

Conditions:
CIC-related disorder. Also called: CIC-related condition.

gnomAD v4.1: 33 of 1,614,010 alleles (0.002%); highest among the groups gnomAD compares: African/African-American, 0.0067%; no homozygotes.

Submission:

PreventionGenetics, part of Exact Sciences
Classification: Likely benign for CIC-related condition. Last evaluated: 2024-12-10. Review status: criteria provided, single submitter. Criteria: ACMG Guidelines, 2015. Collection method: clinical testing. Allele origin: germline.
Comment: This variant is classified as likely benign based on ACMG/AMP sequence variant interpretation guidelines (Richards et al. 2015 PMID: 25741868, with internal and published modifications).

NM_001386298.1(CIC):c.4317C>T (p.Ser1439=)

Gene: CIC (capicua transcriptional repressor; plus strand). Cytogenetic location: 19q13.2.
Variant type: single nucleotide variant.
Coding change: c.4317C>T on transcript NM_001386298.1 (MANE Select); coding-DNA position 4317, C replaced by T.
Protein change: p.Ser1439=; no amino-acid change (serine 1439 retained).
Molecular consequence: synonymous variant.
Genome position (GRCh38, 1-based): chr19:42,290,358, C>T. VCF-style: chr19-42290358-C-T. GRCh37 (hg19) VCF-style: chr19-42794510-C-T.
Other names: c.4317C>T, p.Ser1439= (NM_001304815.2, NM_001379480.1, NM_001379482.1 and 6 more transcripts); c.1590C>T, p.Ser530= (NM_001379484.1, NM_001379485.1, NM_001439189.1 and 3 more transcripts).
Identifiers: ClinVar variation 4989290 (VCV004989290.1).